The following is an entry in ClinVar:

NM_004974.4(KCNA2):c.1483del (p.Met495fs)

Gene: KCNA2 (potassium voltage-gated channel subfamily A member 2; minus strand). Cytogenetic location: 1p13.3.
Variant type: Deletion.
Coding change: c.1483del on transcript NM_004974.4 (MANE Select); coding-DNA position 1483, one base deleted (A; older notation c.1483delA).
Protein change: p.Met495fs; shifts the reading frame from methionine 495.
Molecular consequence: frameshift variant. On other transcripts: intron variant (1).
Genome position (GRCh38, 1-based): chr1:110,603,300, T deleted on the plus strand (A on the coding strand, the reverse complement: KCNA2 is on the minus strand); the first of 4 consecutive T bases (chr1:110,603,300-110,603,303); deleting any one gives the same sequence. VCF-style (leftmost placement, unchanged base first): chr1-110603299-AT-A. GRCh37 (hg19) VCF-style: chr1-111145921-AT-A.
Other names: c.894+589del (NM_001204269.2); short protein forms M495fs.
Identifiers: ClinVar variation 4985615 (VCV004985615.1).

ClinVar aggregate classification (germline): Uncertain significance (1 of 4 stars; one submission).

Conditions:
KCNA2-related disorder. Also called: KCNA2-related condition.

Submission:

PreventionGenetics, part of Exact Sciences
Classification: Uncertain significance for KCNA2-related condition. Last evaluated: 2025-05-22. Review status: criteria provided, single submitter. Criteria: ACMG Guidelines, 2015. Collection method: clinical testing. Allele origin: germline.
Comment: The KCNA2 c.1483delA variant is predicted to result in a frameshift and premature protein termination (p.Met495Cysfs*2). To our knowledge, this variant has not been reported in the literature or in a large population database (gnomAD), indicating this variant is rare. This variant is present near the termination codon and to our knowledge, no other downstream variants in this transcript have been reported to be pathogenic in the literature. At this time, the clinical significance of this variant is uncertain due to the absence of conclusive functional and genetic evidence.